The following is an entry in ClinVar:

NM_001375808.2(LPIN2):c.2135C>T (p.Thr712Ile)

Gene: LPIN2 (lipin 2; minus strand). Cytogenetic location: 18p11.31.
Variant type: single nucleotide variant.
Coding change: c.2135C>T on transcript NM_001375808.2 (MANE Select); coding-DNA position 2135, C replaced by T.
Protein change: p.Thr712Ile; replaces threonine 712 with isoleucine.
Molecular consequence: missense variant.
Genome position (GRCh38, 1-based): chr18:2,923,814, G>A on the plus strand (C>T on the coding strand, the complement: LPIN2 is on the minus strand). VCF-style: chr18-2923814-G-A. GRCh37 (hg19) VCF-style: chr18-2923812-G-A.
Other names: c.2135C>T, p.Thr712Ile (NM_001375809.1, NM_014646.2); short protein forms T712I.
Identifiers: ClinVar variation 3673219 (VCV003673219.2).

ClinVar aggregate classification (germline): Uncertain significance (1 of 4 stars; one submission).

Conditions:
Majeed syndrome (MJDS). Also called: LPIN2-Related Majeed Syndrome; CHRONIC RECURRENT MULTIFOCAL OSTEOMYELITIS 1, WITH CONGENITAL DYSERYTHROPOIETIC ANEMIA, WITH OR WITHOUT NEUTROPHILIC DERMATOSIS. Identifiers: Orphanet 77297, MedGen C1864997, MONDO:0012316, OMIM 609628.

gnomAD v4.1: 1 of 1,614,166 alleles (0.000062%); highest among the groups gnomAD compares: Non-Finnish European, 0.000085%; no homozygotes.

Submission:

Labcorp Genetics (formerly Invitae), Labcorp
Classification: Uncertain significance for Majeed syndrome. Last evaluated: 2024-10-24. Review status: criteria provided, single submitter. Criteria: Invitae Variant Classification Sherloc (09022015). Collection method: clinical testing. Allele origin: germline.
Comment: This sequence change replaces threonine, which is neutral and polar, with isoleucine, which is neutral and non-polar, at codon 712 of the LPIN2 protein (p.Thr712Ile). This variant is present in population databases (no rsID available, gnomAD 0.0009%). This variant has not been reported in the literature in individuals affected with LPIN2-related conditions. Invitae Evidence Modeling of protein sequence and biophysical properties (such as structural, functional, and spatial information, amino acid conservation, physicochemical variation, residue mobility, and thermodynamic stability) indicates that this missense variant is expected to disrupt LPIN2 protein function with a positive predictive value of 80%. In summary, the available evidence is currently insufficient to determine the role of this variant in disease. Therefore, it has been classified as a Variant of Uncertain Significance.